The following is an entry in ClinVar:

NM_004371.4(COPA):c.2974C>G (p.Leu992Val)

Gene: COPA (coat protein complex I subunit alpha; minus strand). Cytogenetic location: 1q23.2.
Variant type: single nucleotide variant.
Coding change: c.2974C>G on transcript NM_004371.4 (MANE Select); coding-DNA position 2974, C replaced by G.
Protein change: p.Leu992Val; replaces leucine 992 with valine.
Molecular consequence: missense variant.
Genome position (GRCh38, 1-based): chr1:160,292,185, G>C on the plus strand (C>G on the coding strand, the complement: COPA is on the minus strand). VCF-style: chr1-160292185-G-C. GRCh37 (hg19) VCF-style: chr1-160261975-G-C.
Other names: c.3001C>G, p.Leu1001Val (NM_001098398.2); short protein forms L1001V, L992V.
Identifiers: ClinVar variation 1004345 (VCV001004345.8), dbSNP rs1658261376, ClinGen allele CA343272509.
Genomic context (GRCh38, chr1:160,292,185, plus strand): 5'-GCTGCAACCGTTGGATGAGGTCATTAAGCTTCAGGCCCACAGCTGGTACACCATTCTTCA[G>C]CCCTGCATCCTTCCTGGAAAGGGAAAAGTAGGAAGAAGACAGGATAGTCAGTAGGCAACT-3'
Protein context (NP_004362.2, residues 982-1002): YPNRNWKDAG[Leu992Val]KNGVPAVGLK

ClinVar aggregate classification (germline): Uncertain significance (1 of 4 stars; one submission).

Conditions:
Autoimmune interstitial lung disease-arthritis syndrome. Also called: Autoinflammation and autoimmunity, systemic, with immune dysregulation. Identifiers: Orphanet 444092, MedGen C5975714, MONDO:0014629.

Submission:

Labcorp Genetics (formerly Invitae), Labcorp
Classification: Uncertain significance for Autoimmune interstitial lung disease-arthritis syndrome. Last evaluated: 2020-03-25. Review status: criteria provided, single submitter. Criteria: Invitae Variant Classification Sherloc (09022015). Collection method: clinical testing. Allele origin: germline.
Comment: In summary, the available evidence is currently insufficient to determine the role of this variant in disease. Therefore, it has been classified as a Variant of Uncertain Significance. Algorithms developed to predict the effect of missense changes on protein structure and function (SIFT, PolyPhen-2, Align-GVGD) all suggest that this variant is likely to be tolerated, but these predictions have not been confirmed by published functional studies and their clinical significance is uncertain. This variant has not been reported in the literature in individuals with COPA-related conditions. This variant is not present in population databases (ExAC no frequency). This sequence change replaces leucine with valine at codon 992 of the COPA protein (p.Leu992Val). The leucine residue is moderately conserved and there is a small physicochemical difference between leucine and valine.